The following is an entry in ClinVar:

NM_001040108.2(MLH3):c.1346G>A (p.Gly449Asp)

Gene: MLH3 (mutL homolog 3; minus strand). Cytogenetic location: 14q24.3.
Variant type: single nucleotide variant.
Coding change: c.1346G>A on transcript NM_001040108.2 (MANE Select); coding-DNA position 1346, G replaced by A.
Protein change: p.Gly449Asp; replaces glycine 449 with aspartic acid.
Molecular consequence: missense variant.
Genome position (GRCh38, 1-based): chr14:75,048,310, C>T on the plus strand (G>A on the coding strand, the complement: MLH3 is on the minus strand). VCF-style: chr14-75048310-C-T. GRCh37 (hg19) VCF-style: chr14-75515013-C-T.
Other names: c.1346G>A, p.Gly449Asp (NM_014381.3); short protein forms G449D.
Identifiers: ClinVar variation 3232436 (VCV003232436.1), dbSNP rs1179055360, ClinGen allele CA390446325.

ClinVar aggregate classification (germline): Uncertain significance (1 of 4 stars; one submission).

Allele frequency attached by ClinVar (database versions not stated): TOPMed below 0.00001; gnomAD 0.00001.
gnomAD v4.1: 1 of 1,613,906 alleles (0.000062%); highest among the groups gnomAD compares: Non-Finnish European, 0.000085%; no homozygotes.

Submission:

Ambry Genetics
Classification: Uncertain significance. Last evaluated: 2024-01-17. Review status: criteria provided, single submitter. Criteria: Ambry Variant Classification Scheme 2023. Collection method: clinical testing. Allele origin: germline.
Comment: The p.G449D variant (also known as c.1346G>A), located in coding exon 1 of the MLH3 gene, results from a G to A substitution at nucleotide position 1346. The glycine at codon 449 is replaced by aspartic acid, an amino acid with similar properties. This amino acid position is conserved. In addition, this alteration is predicted to be tolerated by in silico analysis. Based on the available evidence, the clinical significance of this alteration remains unclear.